The following is an entry in ClinVar:

ClinVar aggregate classification (germline): Uncertain significance. Review status: criteria provided, multiple submitters, no conflicts (2 of 4 stars). 4 submissions from 4 submitters: Uncertain significance (4). Last evaluated 2025-06-01.

Conditions:
Cardiovascular phenotype. Identifiers: MedGen CN230736.
Hypertrophic cardiomyopathy. Also called: HYPERTROPHIC MYOCARDIOPATHY. Identifiers: Orphanet 217569, MedGen C0007194, MeSH D002312, MONDO:0005045, HP:0001639.

Allele frequency attached by ClinVar (database versions not stated): gnomAD exomes below 0.00001; ExAC 0.00001.
gnomAD v4.1: 4 of 1,613,696 alleles (0.00025%); highest among the groups gnomAD compares: Non-Finnish European, 0.00034%; no homozygotes.

Submissions (4):

Labcorp Genetics (formerly Invitae), Labcorp
Classification: Uncertain significance for Hypertrophic cardiomyopathy. Last evaluated: 2025-06-01. Review status: criteria provided, single submitter. Criteria: Invitae Variant Classification Sherloc (09022015). Collection method: clinical testing. Allele origin: germline.
Comment: This sequence change replaces isoleucine, which is neutral and non-polar, with threonine, which is neutral and polar, at codon 284 of the TPM1 protein (p.Ile284Thr). This variant is present in population databases (rs745520822, gnomAD 0.0009%). This missense change has been observed in individual(s) with hypertrophic cardiomyopathy (PMID: 29255176, 31513939). ClinVar contains an entry for this variant (Variation ID: 188708). An algorithm developed to predict the effect of missense changes on protein structure and function (PolyPhen-2) suggests that this variant is likely to be tolerated. In summary, the available evidence is currently insufficient to determine the role of this variant in disease. Therefore, it has been classified as a Variant of Uncertain Significance.

All of Us Research Program, National Institutes of Health
Classification: Uncertain significance for Hypertrophic cardiomyopathy. Last evaluated: 2024-06-17. Review status: criteria provided, single submitter. Criteria: ACMG Guidelines, 2015. Collection method: clinical testing. Allele origin: germline. Inheritance: Autosomal dominant inheritance. Observed: 1 variant allele, 1 heterozygote.
Comment: This missense variant replaces isoleucine with threonine at codon 284 of the TPM1 protein. Computational prediction suggests that this variant may not impact protein structure and function (internally defined REVEL score threshold <= 0.5, PMID: 27666373). To our knowledge, functional studies have not been reported for this variant. This variant has been reported in two individuals affected with hypertrophic cardiomyopathy (PMID: 29255176, 31513939). This variant has been identified in 1/250272 chromosomes in the general population by the Genome Aggregation Database (gnomAD). The available evidence is insufficient to determine the role of this variant in disease conclusively. Therefore, this variant is classified as a Variant of Uncertain Significance.

This study involves interpretation of variants in research participants for the purpose of population health screening. Participant phenotype was not available at the time of variant classification. Additional details can be found in publication PMID: 35346344, PMCID: PMC8962531

Ambry Genetics
Classification: Uncertain significance for Cardiovascular phenotype. Last evaluated: 2021-05-18. Review status: criteria provided, single submitter. Criteria: Ambry Variant Classification Scheme 2023. Collection method: clinical testing. Allele origin: germline.
Comment: The p.I284 variant (also known as c.851T>C), located in coding exon 9 of the TPM1 gene, results from a T to C substitution at nucleotide position 851. The isoleucine at codon 284 is replaced by threonine, an amino acid with similar properties. This variant has been reported in at least two individuals with hypertrophic cardiomyopathy (Robyns T et al. Eur J Hum Genet, 2017 12;25:1313-1323; Robyns T et al. Eur J Med Genet, 2020 Mar;63:103754). This amino acid position is highly conserved in available vertebrate species. In addition, the in silico prediction for this alteration is inconclusive. Since supporting evidence is limited at this time, the clinical significance of this alteration remains unclear.

Center for Human Genetics, University of Leuven
Classification: Uncertain significance for Hypertrophic cardiomyopathy. Last evaluated: 2017-02-09. Review status: criteria provided, single submitter. Criteria: ACMG Guidelines, 2015. Collection method: clinical testing. Allele origin: germline. Inheritance: Autosomal dominant inheritance. Affected: yes. Observed: 4 variant alleles.
Comment: ACMG score unknown significance

Literature cited by the submitters: PubMed 29255176 (cited by 3 submitters); PubMed 31513939 (cited by 3 submitters).

NM_001018005.2(TPM1):c.851T>C (p.Ile284Thr)

Gene: TPM1 (tropomyosin 1; plus strand). Cytogenetic location: 15q22.2.
Variant type: single nucleotide variant.
Coding change: c.851T>C on transcript NM_001018005.2 (MANE Select); coding-DNA position 851, T replaced by C.
Protein change: p.Ile284Thr; replaces isoleucine 284 with threonine.
Molecular consequence: missense variant. On other transcripts: intron variant (12).
Genome position (GRCh38, 1-based): chr15:63,064,142, T>C. VCF-style: chr15-63064142-T-C. GRCh37 (hg19) VCF-style: chr15-63356341-T-C.
Other names: c.851T>C, p.Met284Thr (NM_000366.6, NM_001365779.1); c.851T>C, p.Ile284Thr (NM_001301244.2); c.743T>C, p.Ile248Thr (NM_001330346.2); c.743T>C, p.Met248Thr (NM_001365781.2, NM_001365782.1); c.898+1497T>C (NM_001365778.1); c.772+1497T>C (NM_001018020.2, NM_001018007.2, NM_001018006.2 and 3 more transcripts); c.664+1497T>C (NM_001330351.2, NM_001330344.2, NM_001018008.2 and 2 more transcripts); short protein forms I284T, M248T, M284T, I248T.
Identifiers: ClinVar variation 188708 (VCV000188708.12), dbSNP rs745520822, ClinGen allele CA018544.